The following is an entry in ClinVar:

NM_001128205.2(SULF1):c.2288G>A (p.Gly763Glu)

Gene: SULF1 (sulfatase 1; plus strand). Cytogenetic location: 8q13.3.
Variant type: single nucleotide variant.
Coding change: c.2288G>A on transcript NM_001128205.2 (MANE Select); coding-DNA position 2288, G replaced by A.
Protein change: p.Gly763Glu; replaces glycine 763 with glutamic acid.
Molecular consequence: missense variant. On other transcripts: non-coding transcript variant (1).
Genome position (GRCh38, 1-based): chr8:69,638,505, G>A. VCF-style: chr8-69638505-G-A. GRCh37 (hg19) VCF-style: chr8-70550740-G-A.
Other names: c.2288G>A, p.Gly763Glu (NM_015170.3, NM_001128204.2, NM_001128206.2); c.2288G>A (NM_001128205.1); short protein forms G763E.
Identifiers: ClinVar variation 1386878 (VCV001386878.7), dbSNP rs1308166531, ClinGen allele CA371227580.

ClinVar aggregate classification (germline): Uncertain significance. Review status: criteria provided, multiple submitters, no conflicts (2 of 4 stars). 2 submissions from 2 submitters: Uncertain significance (2). Last evaluated 2025-09-22.

Allele frequency attached by ClinVar (database versions not stated): gnomAD exomes below 0.00001 and 0.00001; TOPMed 0.00001.
gnomAD v4.1: 6 of 1,611,124 alleles (0.00037%); highest among the groups gnomAD compares: Admixed American, 0.0051%; no homozygotes.

Submissions (2):

Ambry Genetics
Classification: Uncertain significance. Last evaluated: 2025-09-22. Review status: criteria provided, single submitter. Criteria: Ambry Variant Classification Scheme 2023. Collection method: clinical testing. Allele origin: germline.

Labcorp Genetics (formerly Invitae), Labcorp
Classification: Uncertain significance. Last evaluated: 2023-07-06. Review status: criteria provided, single submitter. Criteria: Invitae Variant Classification Sherloc (09022015). Collection method: clinical testing. Allele origin: germline.
Comment: In summary, the available evidence is currently insufficient to determine the role of this variant in disease. Therefore, it has been classified as a Variant of Uncertain Significance. An algorithm developed to predict the effect of missense changes on protein structure and function (PolyPhen-2) suggests that this variant is likely to be disruptive. ClinVar contains an entry for this variant (Variation ID: 1386878). This variant has not been reported in the literature in individuals affected with SULF1-related conditions. This variant is present in population databases (no rsID available, gnomAD 0.006%). This sequence change replaces glycine, which is neutral and non-polar, with glutamic acid, which is acidic and polar, at codon 763 of the SULF1 protein (p.Gly763Glu).